The following is an entry in ClinVar:

NM_016648.4(LARP7):c.834dup (p.Arg279fs)

Genes: LARP7 (La ribonucleoprotein 7, transcriptional regulator; plus strand), MIR302CHG (miR-302/367 cluster host gene; minus strand). Cytogenetic location: 4q25.
Variant type: Duplication.
Coding change: c.834dup on transcript NM_016648.4 (MANE Select); coding-DNA position 834, one base duplicated (A; older notation c.834dupA).
Protein change: p.Arg279fs; shifts the reading frame from arginine 279.
Molecular consequence: frameshift variant.
Genome position (GRCh38, 1-based): chr4:112,647,386, A duplicated; the last of 6 consecutive A bases (chr4:112,647,381-112,647,386); duplicating any one gives the same sequence. VCF-style (leftmost placement, unchanged base first): chr4-112647380-G-GA. GRCh37 (hg19) VCF-style: chr4-113568536-G-GA.
Other names: c.855dupA (NM_001267039.1); c.834dupA (NM_016648.3); c.834dup (NM_016648.3, NM_015454.2); c.834dup, p.Arg279fs (NM_001267039.4, NM_001370974.1, NM_001370975.1 and 2 more transcripts); c.831dup, p.Arg278fs (NM_001370976.1, NM_001370977.1, NM_001370979.1 and 1 more transcripts); c.597dup, p.Arg200fs (NM_001370981.1, NM_001370982.1); short protein forms R279fs, R200fs, R278fs.
Identifiers: ClinVar variation 504211 (VCV000504211.45), dbSNP rs763929099, ClinGen allele CA3049277.

ClinVar aggregate classification (germline): Pathogenic. Review status: criteria provided, multiple submitters, no conflicts (2 of 4 stars). 10 submissions from 10 submitters: Pathogenic (10). Last evaluated 2026-03-26.

Conditions:
LARP7-related disorder. Also called: LARP7-related condition.
Microcephalic primordial dwarfism, Alazami type. Also called: Alazami syndrome; FACIAL DYSMORPHISM, INTELLECTUAL DISABILITY, AND PRIMORDIAL DWARFISM. Identifiers: Orphanet 319671, MedGen C3554439, MONDO:0014031, OMIM 615071.

Submissions (10):

PreventionGenetics, part of Exact Sciences
Classification: Pathogenic for LARP7-related condition. Last evaluated: 2026-03-26. Review status: criteria provided, single submitter. Criteria: ACMG Guidelines, 2015. Collection method: clinical testing. Allele origin: germline.
Comment: The LARP7 c.855dupA variant is predicted to result in a frameshift and premature protein termination (p.Arg286Thrfs*5). This variant is alternatively referred to as NM_016648.3: c.834dupA (p.Arg279Thrfs*5) in the literature. This variant has been reported in individuals with Alazami syndrome (Table 1, Wojcik et al. 2019. PubMed ID: 31074943; Alazami et al. 2012. PubMed ID: 22865833). This variant is reported in 0.0051% of alleles in individuals of East Asian descent in gnomAD. Frameshift variants in LARP7 are expected to be pathogenic. This variant is interpreted as pathogenic.

Labcorp Genetics (formerly Invitae), Labcorp
Classification: Pathogenic. Last evaluated: 2025-12-24. Review status: criteria provided, single submitter. Criteria: Invitae Variant Classification Sherloc (09022015). Collection method: clinical testing. Allele origin: germline.
Comment: This sequence change creates a premature translational stop signal (p.Arg279Thrfs*5) in the LARP7 gene. It is expected to result in an absent or disrupted protein product. Loss-of-function variants in LARP7 are known to be pathogenic (PMID: 22865833, 26374271, 26607181). This variant is present in population databases (rs763929099, gnomAD 0.005%). This premature translational stop signal has been observed in individual(s) with Alazami syndrome (PMID: 31074943). ClinVar contains an entry for this variant (Variation ID: 504211). For these reasons, this variant has been classified as Pathogenic.

Dasa
Classification: Pathogenic. Last evaluated: 2025-05-19. Review status: criteria provided, single submitter. Criteria: DASA Assertion Criteria. Collection method: clinical testing. Allele origin: germline.
Comment: NM_016648.4(LARP7):c.834dup (p.Arg279Thrfs*5) introduces a premature termination codon predicted to result in loss of normal protein function. Loss-of-function is an established mechanism of disease for this gene. Segregation evidence has been reported in affected families. This variant has been recurrently observed in affected individuals with related phenotype in a genotype context consistent with recessive disease (PMID: 31074943; PMID: 32888391). The variant is present at low frequency in population datasets. Based on the available data, this variant is classified as pathogenic.

Blueprint Genetics
Classification: Pathogenic for LARP7-related disorders. Last evaluated: 2024-09-11. Review status: criteria provided, single submitter. Criteria: ACMG Guidelines, 2015. Collection method: clinical testing. Allele origin: germline. Affected: yes. Observed: 5 variant alleles.

GeneDx
Classification: Pathogenic. Last evaluated: 2022-11-08. Review status: criteria provided, single submitter. Criteria: GeneDx Variant Classification Process June 2021. Collection method: clinical testing. Allele origin: germline. Affected: yes.
Comment: Observed with an intronic variant on the opposite allele (in trans) in a patient with short stature, developmental delay, abnormal muscle tone, thin corpus callosum, and dysmorphic features (Wojcik et al., 2019); Frameshift variant predicted to result in protein truncation or nonsense mediated decay in a gene for which loss-of-function is a known mechanism of disease; Not observed at significant frequency in large population cohorts (gnomAD); This variant is associated with the following publications: (PMID: 31074943, 32888391)

CeGaT Center for Human Genetics Tuebingen
Classification: Pathogenic. Last evaluated: 2022-10-01. Review status: criteria provided, single submitter. Criteria: CeGaT Center For Human Genetics Tuebingen Variant Classification Criteria Version 2. Collection method: clinical testing. Allele origin: germline. Affected: yes. Observed: 1 variant allele.
Comment: LARP7: PVS1, PM2

Institute for Medical Genetics and Human Genetics, Charité - Universitätsmedizin Berlin
Classification: Pathogenic for Microcephalic primordial dwarfism, Alazami type. Last evaluated: 2022-09-27. Review status: criteria provided, single submitter. Criteria: ACMG Guidelines, 2015. Collection method: clinical testing. Allele origin: germline. Inheritance: Autosomal recessive inheritance. Affected: yes. Observed: 2 compound heterozygotes. Clinical features observed: Microcephaly (HP:0000252), Autism (HP:0000717), Anxiety (HP:0000739), Global developmental delay (HP:0001263), Short stature (HP:0004322).

Institute of Human Genetics, University of Leipzig Medical Center
Classification: Pathogenic for Microcephalic primordial dwarfism, Alazami type. Last evaluated: 2019-01-01. Review status: criteria provided, single submitter. Criteria: ACMG Guidelines, 2015. Collection method: clinical testing. Allele origin: unknown. Affected: yes.

Centre for Mendelian Genomics, University Medical Centre Ljubljana
Classification: Pathogenic for Microcephalic primordial dwarfism, Alazami type. Last evaluated: 2018-10-10. Review status: criteria provided, single submitter. Criteria: ACMG Guidelines, 2015. Collection method: clinical testing. Allele origin: unknown. Affected: yes.
Comment: This variant was classified as: Pathogenic. The following ACMG criteria were applied in classifying this variant: PVS1,PM2,PP5.

Clinical Genetics Service, Universitary Hospital 12 de Octubre
Classification: Pathogenic for Microcephalic primordial dwarfism, Alazami type. Review status: criteria provided, single submitter. Criteria: ACMG Guidelines, 2015. Collection method: clinical testing. Allele origin: maternal. Affected: yes.

Literature cited by the submitters: PubMed 22865833 (cited by Labcorp Genetics (formerly Invitae), Labcorp); PubMed 26374271 (cited by Labcorp Genetics (formerly Invitae), Labcorp); PubMed 26607181 (cited by Labcorp Genetics (formerly Invitae), Labcorp); PubMed 31074943 (cited by Labcorp Genetics (formerly Invitae), Labcorp and Dasa); PubMed 32888391 (cited by Dasa).